The following is an entry in ClinVar:

ClinVar aggregate classification (germline): Benign (1 of 4 stars; one submission).

Conditions:
Oroticaciduria. Also called: Orotic aciduria. Identifiers: Orphanet 30, MedGen C0268128, HP:0003218.

Allele frequency attached by ClinVar (database versions not stated): gnomAD exomes 0.00533 and 0.00328; gnomAD 0.02538 and 0.02694; ExAC 0.00167; TOPMed 0.02850; 1000 Genomes Project 0.03375; 1000 Genomes Project 30x 0.03420.
gnomAD v4.1: 4,840 of 454,100 alleles (1.1%); highest among the groups gnomAD compares: African/African-American, 8.8%; 180 homozygotes.

Submission:

Illumina Laboratory Services, Illumina
Classification: Benign for Hereditary orotic aciduria. Last evaluated: 2018-01-13. Review status: criteria provided, single submitter. Criteria: ICSL Variant Classification Criteria 13 December 2019. Collection method: clinical testing. Allele origin: germline.
Comment: This variant was observed in the ICSL laboratory as part of a predisposition screen in an ostensibly healthy population. It had not been previously curated by ICSL or reported in the Human Gene Mutation Database (HGMD: prior to June 1st, 2018), and was therefore a candidate for classification through an automated scoring system. Utilizing variant allele frequency, disease prevalence and penetrance estimates, and inheritance mode, an automated score was calculated to assess if this variant is too frequent to cause the disease. Based on the score and internal cut-off values, a variant classified as benign is not then subjected to further curation. The score for this variant resulted in a classification of benign for this disease.

NM_000373.4(UMPS):c.*4485G>T

Gene: UMPS (uridine monophosphate synthetase; plus strand). Cytogenetic location: 3q21.2.
Variant type: single nucleotide variant.
Coding change: c.*4485G>T on transcript NM_000373.4 (MANE Select); 4485 bases downstream of the stop codon, G replaced by T.
Molecular consequence: 3 prime UTR variant. On other transcripts: non-coding transcript variant (2).
Genome position (GRCh38, 1-based): chr3:124,748,569, G>T. VCF-style: chr3-124748569-G-T. GRCh37 (hg19) VCF-style: chr3-124467416-G-T.
Identifiers: ClinVar variation 343031 (VCV000343031.5), dbSNP rs591896, ClinGen allele CA2582168.